The following is an entry in ClinVar:

NM_170784.3(MKKS):c.2T>G (p.Met1Arg)

Gene: MKKS (MKKS centrosomal shuttling protein; minus strand). Cytogenetic location: 20p12.2.
Variant type: single nucleotide variant.
Coding change: c.2T>G on transcript NM_170784.3 (MANE Select); coding-DNA position 2, T replaced by G.
Protein change: p.Met1Arg; changes the start codon (methionine 1).
Molecular consequence: missense variant, initiator codon variant.
Genome position (GRCh38, 1-based): chr20:10,413,513, A>C on the plus strand (T>G on the coding strand, the complement: MKKS is on the minus strand). VCF-style: chr20-10413513-A-C. GRCh37 (hg19) VCF-style: chr20-10394161-A-C.
Other names: c.2T>G, p.Met1Arg (NM_018848.3); short protein forms M1R.
Identifiers: ClinVar variation 2925645 (VCV002925645.4), dbSNP rs2514498517, ClinGen allele CA408234032.

ClinVar aggregate classification (germline): Pathogenic/Likely pathogenic. Review status: criteria provided, multiple submitters, no conflicts (2 of 4 stars). 2 submissions from 2 submitters: Pathogenic (1); Likely pathogenic (1). Last evaluated 2025-01-09.

Conditions:
Bardet-Biedl syndrome (BBS). Identifiers: Orphanet 110, MedGen C0752166, MONDO:0015229.
McKusick-Kaufman syndrome (MKKS). Also called: HYDROMETROCOLPOS SYNDROME; HYDROMETROCOLPOS, POSTAXIAL POLYDACTYLY, AND CONGENITAL HEART MALFORMATION. Identifiers: Orphanet 2473, MedGen C0948368, MONDO:0009367, OMIM 236700.

Submissions (2):

GeneDx
Classification: Likely pathogenic. Last evaluated: 2025-01-09. Review status: criteria provided, single submitter. Criteria: GeneDx Variant Classification Process June 2021. Collection method: clinical testing. Allele origin: germline. Affected: yes.
Comment: Initiation codon variant in a gene for which loss of function is a known mechanism of disease; Not observed at significant frequency in large population cohorts (gnomAD); This variant is associated with the following publications: (PMID: 15666242)

Labcorp Genetics (formerly Invitae), Labcorp
Classification: Pathogenic for McKusick-Kaufman syndrome; Bardet-Biedl syndrome. Last evaluated: 2023-12-20. Review status: criteria provided, single submitter. Criteria: Invitae Variant Classification Sherloc (09022015). Collection method: clinical testing. Allele origin: germline.
Comment: This sequence change affects the initiator methionine of the MKKS mRNA. The next in-frame methionine is located at codon 165. This variant is not present in population databases (gnomAD no frequency). Disruption of the initiator codon has been observed in individuals with Bardet-Biedl syndrome (PMID: 15666242, 25982971). This variant disrupts a region of the MKKS protein in which other variant(s) (p.Thr57Ala) have been determined to be pathogenic (PMID: 10973251; Invitae; external communication). This suggests that this is a clinically significant region of the protein, and that variants that disrupt it are likely to be disease-causing. For these reasons, this variant has been classified as Pathogenic.

Literature cited by the submitters: PubMed 15666242 (cited by Labcorp Genetics (formerly Invitae), Labcorp); PubMed 25982971 (cited by Labcorp Genetics (formerly Invitae), Labcorp); PubMed 10973251 (cited by Labcorp Genetics (formerly Invitae), Labcorp).